The following is an entry in ClinVar:

NM_001348768.2(HECW2):c.2240C>T (p.Ala747Val)

Gene: HECW2 (HECT, C2 and WW domain containing E3 ubiquitin protein ligase 2; minus strand). Cytogenetic location: 2q32.3.
Variant type: single nucleotide variant.
Coding change: c.2240C>T on transcript NM_001348768.2 (MANE Select); coding-DNA position 2240, C replaced by T.
Protein change: p.Ala747Val; replaces alanine 747 with valine.
Molecular consequence: missense variant.
Genome position (GRCh38, 1-based): chr2:196,318,650, G>A on the plus strand (C>T on the coding strand, the complement: HECW2 is on the minus strand). VCF-style: chr2-196318650-G-A. GRCh37 (hg19) VCF-style: chr2-197183374-G-A.
Other names: c.2240C>T (NM_020760.1); c.1172C>T, p.Ala391Val (NM_001304840.3); c.2240C>T, p.Ala747Val (NM_020760.4); short protein forms A391V, A747V.
Identifiers: ClinVar variation 709366 (VCV000709366.29), dbSNP rs143266673, ClinGen allele CA2038157.

ClinVar aggregate classification (germline): Benign/Likely benign. Review status: criteria provided, multiple submitters, no conflicts (2 of 4 stars). 4 submissions from 4 submitters: Benign (1); Likely benign (3). Last evaluated 2024-09-13.

Conditions:
Inborn genetic diseases. Identifiers: MedGen C0950123, MeSH D030342.

Allele frequency attached by ClinVar (database versions not stated): gnomAD exomes 0.00015 and 0.00043; ExAC 0.00056; 1000 Genomes Project 30x 0.00125; 1000 Genomes Project 0.00140; gnomAD 0.00174 and 0.00190; TOPMed 0.00197.

Submissions (4):

Blueprint Genetics
Classification: Likely benign. Last evaluated: 2024-09-13. Review status: criteria provided, single submitter. Criteria: ACMG Guidelines, 2015. Collection method: clinical testing. Allele origin: germline.

CeGaT Center for Human Genetics Tuebingen
Classification: Likely benign. Last evaluated: 2023-12-01. Review status: criteria provided, single submitter. Criteria: CeGaT Center For Human Genetics Tuebingen Variant Classification Criteria Version 2. Collection method: clinical testing. Allele origin: germline. Affected: yes. Observed: 1 variant allele.
Comment: HECW2: BP4, BS1

Ambry Genetics
Classification: Likely benign for Inborn genetic diseases. Last evaluated: 2021-10-29. Review status: criteria provided, single submitter. Criteria: Ambry Variant Classification Scheme 2023. Collection method: clinical testing. Allele origin: germline.

Labcorp Genetics (formerly Invitae), Labcorp
Classification: Benign. Last evaluated: 2019-01-04. Review status: criteria provided, single submitter. Criteria: Invitae Variant Classification Sherloc (09022015). Collection method: clinical testing. Allele origin: germline.